The following is an entry in ClinVar:

NM_001430.5(EPAS1):c.2381A>T (p.Asn794Ile)

Gene: EPAS1 (endothelial PAS domain protein 1; plus strand). Cytogenetic location: 2p21.
Variant type: single nucleotide variant.
Coding change: c.2381A>T on transcript NM_001430.5 (MANE Select); coding-DNA position 2381, A replaced by T.
Protein change: p.Asn794Ile; replaces asparagine 794 with isoleucine.
Molecular consequence: missense variant.
Genome position (GRCh38, 1-based): chr2:46,382,518, A>T. VCF-style: chr2-46382518-A-T. GRCh37 (hg19) VCF-style: chr2-46609657-A-T.
Other names: short protein forms N794I.
Identifiers: ClinVar variation 3508958 (VCV003508958.1).
Genomic context (GRCh38, chr2:46,382,518, plus strand): 5'-GCCATCCCCTGAGACATCTGCCGCTGCCACAGCCTCCATCTGCCATCAGTCCCGGGGAGA[A>T]CAGCAAGAGCAGGTTCCCCCCACAGTGCTACGCCACCCAGTACCAGGACTACAGCCTGTC-3'
Protein context (NP_001421.2, residues 784-804): QPPSAISPGE[Asn794Ile]SKSRFPPQCY

ClinVar aggregate classification (germline): Uncertain significance (1 of 4 stars; one submission).

Conditions:
Inborn genetic diseases. Identifiers: MedGen C0950123, MeSH D030342.

Submission:

Ambry Genetics
Classification: Uncertain significance for Inborn genetic diseases. Last evaluated: 2024-07-29. Review status: criteria provided, single submitter. Criteria: Ambry Variant Classification Scheme 2023. Collection method: clinical testing. Allele origin: germline.
Comment: The p.N794I variant (also known as c.2381A>T), located in coding exon 15 of the EPAS1 gene, results from an A to T substitution at nucleotide position 2381. The asparagine at codon 794 is replaced by isoleucine, an amino acid with dissimilar properties. This amino acid position is conserved. In addition, this alteration is predicted to be tolerated by in silico analysis. Based on the available evidence, the clinical significance of this variant remains unclear.